The following is an entry in ClinVar:

NM_001006658.3(CR2):c.878C>G (p.Ala293Gly)

Genes: CR2 (complement C3d receptor 2; plus strand), LOC126805994 (BRD4-independent group 4 enhancer GRCh37_chr1:207642622-207643821; plus strand). Cytogenetic location: 1q32.2.
Variant type: single nucleotide variant.
Coding change: c.878C>G on transcript NM_001006658.3 (MANE Select); coding-DNA position 878, C replaced by G.
Protein change: p.Ala293Gly; replaces alanine 293 with glycine.
Molecular consequence: missense variant.
Genome position (GRCh38, 1-based): chr1:207,469,755, C>G. VCF-style: chr1-207469755-C-G. GRCh37 (hg19) VCF-style: chr1-207643100-C-G.
Other names: c.878C>G, p.Ala293Gly (NM_001877.5); short protein forms A293G.
Identifiers: ClinVar variation 1717234 (VCV001717234.6), dbSNP rs2527214608, ClinGen allele CA344527955.

ClinVar aggregate classification (germline): Uncertain significance (1 of 4 stars; one submission).

Conditions:
Immunodeficiency, common variable, 7. Identifiers: Orphanet 1572, Orphanet 696894, MedGen C3542922, MONDO:0013862, OMIM 614699.

Submission:

Labcorp Genetics (formerly Invitae), Labcorp
Classification: Uncertain significance for Immunodeficiency, common variable, 7. Last evaluated: 2022-08-21. Review status: criteria provided, single submitter. Criteria: Invitae Variant Classification Sherloc (09022015). Collection method: clinical testing. Allele origin: germline.
Comment: In summary, the available evidence is currently insufficient to determine the role of this variant in disease. Therefore, it has been classified as a Variant of Uncertain Significance. Algorithms developed to predict the effect of missense changes on protein structure and function output the following: SIFT: "Tolerated"; PolyPhen-2: "Benign"; Align-GVGD: "Class C0". The glycine amino acid residue is found in multiple mammalian species, which suggests that this missense change does not adversely affect protein function. This variant has not been reported in the literature in individuals affected with CR2-related conditions. This variant is not present in population databases (gnomAD no frequency). This sequence change replaces alanine, which is neutral and non-polar, with glycine, which is neutral and non-polar, at codon 293 of the CR2 protein (p.Ala293Gly).